The following is an entry in ClinVar:

ClinVar aggregate classification (germline): Pathogenic (1 of 4 stars; one submission).

Conditions:
Inborn genetic diseases. Identifiers: MedGen C0950123, MeSH D030342.

Submission:

Ambry Genetics
Classification: Pathogenic for Inborn genetic diseases. Last evaluated: 2017-05-03. Review status: criteria provided, single submitter. Criteria: Ambry Variant Classification Scheme 2023. Collection method: clinical testing. Allele origin: germline.
Comment: The c.4450_4453delGATA pathogenic mutation, located in coding exon 23 of the SCN1A gene, results from a deletion of 4 nucleotides at nucleotide positions 4450 to 4453, causing a translational frameshift with a predicted alternate stop codon (p.D1484Ifs*16). This alteration is expected to result in loss of function by premature protein truncation or nonsense-mediated mRNA decay. As such, this alteration is interpreted as a disease-causing mutation.

Literature cited by the submitters: PubMed 23195492.

NM_001165963.4(SCN1A):c.4450_4453del (p.Asp1484fs)

Genes: SCN1A (sodium voltage-gated channel alpha subunit 1; minus strand), LOC102724058 (uncharacterized LOC102724058; plus strand). Cytogenetic location: 2q24.3.
Variant type: Deletion.
Coding change: c.4450_4453del on transcript NM_001165963.4 (MANE Select); coding-DNA positions 4450 to 4453, 4 bases deleted (GATA; older notation c.4450_4453delGATA).
Protein change: p.Asp1484fs; shifts the reading frame from aspartic acid 1484.
Molecular consequence: frameshift variant. On other transcripts: non-coding transcript variant (1).
Genome position (GRCh38, 1-based): chr2:165,998,061-165,998,064, TATC deleted on the plus strand (GATA on the coding strand, the reverse complement: SCN1A is on the minus strand); deleting any 4 consecutive bases within chr2:165,998,061-165,998,067 gives the same sequence; the c. name uses the placement nearest the transcript's 3' end. VCF-style (leftmost placement, unchanged base first): chr2-165998060-TTATC-T. GRCh37 (hg19) VCF-style: chr2-166854570-TTATC-T.
Other names: c.4366_4369del, p.Asp1456fs (NM_001165964.3, NM_001353957.2, NM_001353958.2); c.4450_4453del, p.Asp1484fs (NM_001202435.3, NM_001353948.2); c.4417_4420del, p.Asp1473fs (NM_001353949.2, NM_001353950.2, NM_001353951.2 and 2 more transcripts); c.4414_4417del, p.Asp1472fs (NM_001353954.2, NM_001353955.2); c.4363_4366del, p.Asp1455fs (NM_001353960.2); c.2008_2011del, p.Asp670fs (NM_001353961.2); short protein forms D1456fs, D1473fs, D1484fs, D1455fs, D1472fs, D670fs.
Identifiers: ClinVar variation 589001 (VCV000589001.6), dbSNP rs1559118996, ClinGen allele CA891842566.
Genomic context (GRCh38, chr2:165,998,060, plus strand): 5'-TCTATCTCAGTGGGAGAGAAAATATTAGAAATACTTATCTTCTTTTTCTGCTGGTTGAAA[TTATC>T]TATGATGACACCAATAAACAGGTTCAAGGTGAAGAAGGACCCAAAGATGATGAAAATAAC-3'